The following is an entry in ClinVar:

ClinVar aggregate classification (germline): Benign/Likely benign. Review status: criteria provided, multiple submitters, no conflicts (2 of 4 stars). 4 submissions from 4 submitters: Benign (1); Likely benign (3). Last evaluated 2026-01-22.

Allele frequency attached by ClinVar (database versions not stated): gnomAD exomes 0.00160; ExAC 0.00201; 1000 Genomes Project 0.00619; 1000 Genomes Project 30x 0.00687; gnomAD 0.00687 and 0.00741; TOPMed 0.00741; ESP Exome Variant Server 0.00743.
gnomAD v4.1: 1,981 of 1,601,254 alleles (0.12%); highest among the groups gnomAD compares: African/African-American, 2.4%; 75 homozygotes.

Submissions (4):

Women's Health and Genetics/Laboratory Corporation of America, LabCorp
Classification: Likely benign. Last evaluated: 2026-01-22. Review status: criteria provided, single submitter. Criteria: LabCorp Variant Classification Summary - May 2015. Collection method: clinical testing. Allele origin: germline.

Mayo Clinic Laboratories, Mayo Clinic
Classification: Likely benign. Last evaluated: 2024-12-26. Review status: criteria provided, single submitter. Criteria: ACMG Guidelines, 2015. Collection method: clinical testing. Allele origin: germline. Observed: 33 variant alleles.
Comment: BS1

Genetic Services Laboratory, University of Chicago
Classification: Benign. Last evaluated: 2019-05-14. Review status: criteria provided, single submitter. Criteria: ACMG Guidelines, 2015. Collection method: clinical testing. Allele origin: germline. Affected: no.

Breakthrough Genomics
Classification: Likely benign. Review status: criteria provided, single submitter. Criteria: ACMG Guidelines, 2015. Collection method: not provided. Allele origin: germline. Inheritance: Unknown mechanism. Affected: yes.

NM_001201550.3(CFHR4):c.62T>C (p.Val21Ala)

Gene: CFHR4 (complement factor H related 4; plus strand). Cytogenetic location: 1q31.3.
Variant type: single nucleotide variant.
Coding change: c.62T>C on transcript NM_001201550.3 (MANE Select); coding-DNA position 62, T replaced by C.
Protein change: p.Val21Ala; replaces valine 21 with alanine.
Molecular consequence: missense variant.
Genome position (GRCh38, 1-based): chr1:196,902,421, T>C. VCF-style: chr1-196902421-T-C. GRCh37 (hg19) VCF-style: chr1-196871551-T-C.
Other names: p.Val20Ala; c.59T>C, p.Val20Ala (NM_001201551.2); c.62T>C, p.Val21Ala (NM_006684.5); short protein forms V20A, V21A.
Identifiers: ClinVar variation 1336292 (VCV001336292.7), dbSNP rs78624607, ClinGen allele CA1306733.